The following is an entry in ClinVar:

ClinVar aggregate classification (germline): Uncertain significance (1 of 4 stars; one submission).

Submission:

Ambry Genetics
Classification: Uncertain significance. Last evaluated: 2025-05-02. Review status: criteria provided, single submitter. Criteria: Ambry Variant Classification Scheme 2023. Collection method: clinical testing. Allele origin: germline.
Comment: The p.D276Y variant (also known as c.826G>T) is located in coding exon 9 of the SRP72 gene. The aspartic acid at codon 276 is replaced by tyrosine, an amino acid with highly dissimilar properties. This change occurs in the first base pair of coding exon 9. This amino acid position is conserved. In addition, this alteration is predicted to be deleterious by in silico analysis. Based on the available evidence, the clinical significance of this variant remains unclear.

NM_006947.4(SRP72):c.826G>T (p.Asp276Tyr)

Gene: SRP72 (signal recognition particle 72; plus strand). Cytogenetic location: 4q12.
Variant type: single nucleotide variant.
Coding change: c.826G>T on transcript NM_006947.4 (MANE Select); coding-DNA position 826, G replaced by T.
Protein change: p.Asp276Tyr; replaces aspartic acid 276 with tyrosine.
Molecular consequence: missense variant. On other transcripts: non-coding transcript variant (1).
Genome position (GRCh38, 1-based): chr4:56,483,139, G>T. VCF-style: chr4-56483139-G-T. GRCh37 (hg19) VCF-style: chr4-57349305-G-T.
Other names: c.643G>T, p.Asp215Tyr (NM_001267722.2); short protein forms D215Y, D276Y.
Identifiers: ClinVar variation 3962091 (VCV003962091.1).